The following is an entry in ClinVar:

NM_005472.5(KCNE3):c.83A>G (p.Asn28Ser)

Gene: KCNE3 (potassium voltage-gated channel subfamily E regulatory subunit 3; minus strand). Cytogenetic location: 11q13.4.
Variant type: single nucleotide variant.
Coding change: c.83A>G on transcript NM_005472.5 (MANE Select); coding-DNA position 83, A replaced by G.
Protein change: p.Asn28Ser; replaces asparagine 28 with serine.
Molecular consequence: missense variant.
Genome position (GRCh38, 1-based): chr11:74,457,481, T>C on the plus strand (A>G on the coding strand, the complement: KCNE3 is on the minus strand). VCF-style: chr11-74457481-T-C. GRCh37 (hg19) VCF-style: chr11-74168526-T-C.
Other names: short protein forms N28S.
Identifiers: ClinVar variation 1763229 (VCV001763229.6), dbSNP rs772286478, ClinGen allele CA6184863.

ClinVar aggregate classification (germline): Uncertain significance. Review status: criteria provided, multiple submitters, no conflicts (2 of 4 stars). 2 submissions from 2 submitters: Uncertain significance (2). Last evaluated 2025-09-25.

Conditions:
Brugada syndrome 6 (BRGDA6). Identifiers: Orphanet 130, MedGen C2751089, MONDO:0013145, OMIM 613119.
Cardiovascular phenotype. Identifiers: MedGen CN230736.

Allele frequency attached by ClinVar (database versions not stated): TOPMed below 0.00001; gnomAD 0.00001; gnomAD exomes 0.00001; ExAC 0.00002.
gnomAD v4.1: 14 of 1,614,056 alleles (0.00087%); highest among the groups gnomAD compares: African/African-American, 0.0013%; no homozygotes.

Submissions (2):

Ambry Genetics
Classification: Uncertain significance for Cardiovascular phenotype. Last evaluated: 2025-09-25. Review status: criteria provided, single submitter. Criteria: Ambry Variant Classification Scheme 2023. Collection method: clinical testing. Allele origin: germline.

Labcorp Genetics (formerly Invitae), Labcorp
Classification: Uncertain significance for Brugada syndrome 6. Last evaluated: 2023-09-08. Review status: criteria provided, single submitter. Criteria: Invitae Variant Classification Sherloc (09022015). Collection method: clinical testing. Allele origin: germline.
Comment: In summary, the available evidence is currently insufficient to determine the role of this variant in disease. Therefore, it has been classified as a Variant of Uncertain Significance. Algorithms developed to predict the effect of missense changes on protein structure and function output the following: SIFT: "Not Available"; PolyPhen-2: "Benign"; Align-GVGD: "Not Available". The serine amino acid residue is found in multiple mammalian species, which suggests that this missense change does not adversely affect protein function. ClinVar contains an entry for this variant (Variation ID: 1763229). This variant has not been reported in the literature in individuals affected with KCNE3-related conditions. This variant is present in population databases (rs772286478, gnomAD 0.003%). This sequence change replaces asparagine, which is neutral and polar, with serine, which is neutral and polar, at codon 28 of the KCNE3 protein (p.Asn28Ser).